The following is an entry in ClinVar:

NM_000455.5(STK11):c.359A>G (p.Glu120Gly)

Gene: STK11 (serine/threonine kinase 11; plus strand). Cytogenetic location: 19p13.3.
Variant type: single nucleotide variant.
Coding change: c.359A>G on transcript NM_000455.5 (MANE Select); coding-DNA position 359, A replaced by G.
Protein change: p.Glu120Gly; replaces glutamic acid 120 with glycine.
Molecular consequence: missense variant.
Genome position (GRCh38, 1-based): chr19:1,218,485, A>G. VCF-style: chr19-1218485-A-G. GRCh37 (hg19) VCF-style: chr19-1218484-A-G.
Other names: short protein forms E120G.
Identifiers: ClinVar variation 591825 (VCV000591825.2), dbSNP rs1205003744, ClinGen allele CA402947862.

ClinVar aggregate classification (germline): Uncertain significance. Review status: criteria provided, single submitter (1 of 4 stars). 2 submissions from 2 submitters: Uncertain significance (1). 1 of the submissions does not count toward it. Last evaluated 2023-04-03.

Conditions:
Peutz-Jeghers syndrome (PJS). Also called: POLYPOSIS, HAMARTOMATOUS INTESTINAL; POLYPS-AND-SPOTS SYNDROME; Peutz-Jeghers polyposis; Periorificial lentiginosis syndrome. Identifiers: Orphanet 2869, MedGen C0031269, MeSH D010580, MONDO:0008280, OMIM 175200.

Allele frequency attached by ClinVar (database versions not stated): TOPMed below 0.00001.

Submissions (2):

All of Us Research Program, National Institutes of Health
Classification: Uncertain significance for Peutz-Jeghers syndrome. Last evaluated: 2023-04-03. Review status: criteria provided, single submitter. Criteria: ACMG Guidelines, 2015. Collection method: clinical testing. Allele origin: germline. Inheritance: Autosomal dominant inheritance. Observed: 1 variant allele, 1 heterozygote.
Comment: This missense variant replaces glutamic acid with glycine at codon 120 of the STK11 protein. Computational prediction suggests that this variant may have deleterious impact on protein structure and function (internally defined REVEL score threshold >= 0.7, PMID: 27666373). To our knowledge, functional studies have not been reported for this variant. This variant has not been reported in individuals affected with STK11-related disorders in the literature. This variant has not been identified in the general population by the Genome Aggregation Database (gnomAD). The available evidence is insufficient to determine the role of this variant in disease conclusively. Therefore, this variant is classified as a Variant of Uncertain Significance.

This study involves interpretation of variants in research participants for the purpose of population health screening. Participant phenotype was not available at the time of variant classification. Additional details can be found in publication PMID: 35346344, PMCID: PMC8962531

Gharavi Laboratory, Columbia University
Classification: Uncertain significance. Last evaluated: 2018-09-16. Review status: no assertion criteria provided. Criteria: ACMG Guidelines, 2015. Collection method: research. Allele origin: germline. Affected: yes. Not counted in ClinVar's aggregate classification.